The following is an entry in ClinVar:

NM_206933.4(USH2A):c.5842C>T (p.Arg1948Cys)

Genes: USH2A-AS2 (USH2A antisense RNA 2; plus strand), USH2A (usherin; minus strand). Cytogenetic location: 1q41.
Variant type: single nucleotide variant.
Coding change: c.5842C>T on transcript NM_206933.4 (MANE Select); coding-DNA position 5842, C replaced by T.
Protein change: p.Arg1948Cys; replaces arginine 1948 with cysteine.
Molecular consequence: missense variant.
Genome position (GRCh38, 1-based): chr1:216,072,904, G>A on the plus strand (C>T on the coding strand, the complement: USH2A is on the minus strand). VCF-style: chr1-216072904-G-A. GRCh37 (hg19) VCF-style: chr1-216246246-G-A.
Other names: short protein forms R1948C.
Identifiers: ClinVar variation 961305 (VCV000961305.12), dbSNP rs145647517, ClinGen allele CA1395340.

ClinVar aggregate classification (germline): Uncertain significance. Review status: criteria provided, multiple submitters, no conflicts (2 of 4 stars). 8 submissions from 7 submitters: Uncertain significance (6). 2 of the submissions do not count toward it. Last evaluated 2025-10-22.

Conditions:
Retinal dystrophy. Also called: Inherited retinal dystrophy. Identifiers: Orphanet 71862, MedGen C0854723, MeSH D058499, MONDO:0019118, HP:0000556.
Retinitis pigmentosa 39 (RP39). Identifiers: Orphanet 791, MedGen C3151138, MONDO:0013436, OMIM 613809.
Usher syndrome type 2A. Also called: RETINAL DISEASE IN USHER SYNDROME TYPE IIA, MODIFIER OF; USHER SYNDROME, TYPE IIA. Identifiers: Orphanet 231178, Orphanet 886, MedGen C1848634, MONDO:0010169, OMIM 276901.
Inborn genetic diseases. Identifiers: MedGen C0950123, MeSH D030342.

Allele frequency attached by ClinVar (database versions not stated): ExAC 0.00002; gnomAD exomes 0.00002; gnomAD 0.00003; TOPMed 0.00005; ESP Exome Variant Server 0.00008.
gnomAD v4.1: 29 of 1,613,572 alleles (0.0018%); highest among the groups gnomAD compares: Middle Eastern, 0.016%; no homozygotes.

Submissions (8):

Ambry Genetics
Classification: Uncertain significance for Inborn genetic diseases. Last evaluated: 2025-10-22. Review status: criteria provided, single submitter. Criteria: Ambry Variant Classification Scheme 2023. Collection method: clinical testing. Allele origin: germline.

Blueprint Genetics
Classification: Uncertain significance. Last evaluated: 2024-11-07. Review status: criteria provided, single submitter. Criteria: ACMG Guidelines, 2015. Collection method: clinical testing. Allele origin: germline.

Labcorp Genetics (formerly Invitae), Labcorp
Classification: Uncertain significance. Last evaluated: 2024-10-29. Review status: criteria provided, single submitter. Criteria: Invitae Variant Classification Sherloc (09022015). Collection method: clinical testing. Allele origin: germline.
Comment: This sequence change replaces arginine, which is basic and polar, with cysteine, which is neutral and slightly polar, at codon 1948 of the USH2A protein (p.Arg1948Cys). This variant is present in population databases (rs145647517, gnomAD 0.008%). This variant has not been reported in the literature in individuals affected with USH2A-related conditions. ClinVar contains an entry for this variant (Variation ID: 961305). Invitae Evidence Modeling of protein sequence and biophysical properties (such as structural, functional, and spatial information, amino acid conservation, physicochemical variation, residue mobility, and thermodynamic stability) indicates that this missense variant is expected to disrupt USH2A protein function with a positive predictive value of 80%. In summary, the available evidence is currently insufficient to determine the role of this variant in disease. Therefore, it has been classified as a Variant of Uncertain Significance.

Genome-Nilou Lab
Classification: Uncertain significance for Retinitis pigmentosa 39. Last evaluated: 2023-11-04. Review status: criteria provided, single submitter. Criteria: ACMG Guidelines, 2015. Collection method: clinical testing. Allele origin: germline. Affected: no.

Genome-Nilou Lab
Classification: Uncertain significance for Usher syndrome type 2A. Last evaluated: 2023-11-04. Review status: criteria provided, single submitter. Criteria: ACMG Guidelines, 2015. Collection method: clinical testing. Allele origin: germline. Affected: no.

GeneDx
Classification: Uncertain significance. Last evaluated: 2022-09-29. Review status: criteria provided, single submitter. Criteria: GeneDx Variant Classification Process June 2021. Collection method: clinical testing. Allele origin: germline. Affected: yes.
Comment: In silico analysis supports that this missense variant has a deleterious effect on protein structure/function; Has not been previously published as pathogenic or benign to our knowledge

Institute of Human Genetics, Univ. Regensburg, Univ. Regensburg
Classification: Uncertain significance for Retinal dystrophy. Last evaluated: 2021-01-01. Review status: no assertion criteria provided. Criteria: ACMG Guidelines, 2015. Collection method: clinical testing. Allele origin: germline. Affected: yes. Not counted in ClinVar's aggregate classification.

Natera, Inc.
Classification: Uncertain significance for Usher syndrome type 2A. Last evaluated: 2020-09-23. Review status: no assertion criteria provided. Collection method: clinical testing. Allele origin: germline. Not counted in ClinVar's aggregate classification.